The following is an entry in ClinVar:

ClinVar aggregate classification (germline): Uncertain significance. Review status: criteria provided, multiple submitters, no conflicts (2 of 4 stars). 2 submissions from 2 submitters: Uncertain significance (2). Last evaluated 2025-03-25.

Conditions:
Inborn genetic diseases. Identifiers: MedGen C0950123, MeSH D030342.

gnomAD v4.1: 6 of 1,610,408 alleles (0.00037%); highest among the groups gnomAD compares: Non-Finnish European, 0.00051%; no homozygotes.

Submissions (2):

Ambry Genetics
Classification: Uncertain significance for Inborn genetic diseases. Last evaluated: 2025-03-25. Review status: criteria provided, single submitter. Criteria: Ambry Variant Classification Scheme 2023. Collection method: clinical testing. Allele origin: germline.

Labcorp Genetics (formerly Invitae), Labcorp
Classification: Uncertain significance. Last evaluated: 2025-01-13. Review status: criteria provided, single submitter. Criteria: Invitae Variant Classification Sherloc (09022015). Collection method: clinical testing. Allele origin: germline.
Comment: This sequence change replaces aspartic acid, which is acidic and polar, with histidine, which is basic and polar, at codon 72 of the ERCC8 protein (p.Asp72His). This variant is not present in population databases (gnomAD no frequency). This variant has not been reported in the literature in individuals affected with ERCC8-related conditions. Invitae Evidence Modeling of protein sequence and biophysical properties (such as structural, functional, and spatial information, amino acid conservation, physicochemical variation, residue mobility, and thermodynamic stability) indicates that this missense variant is expected to disrupt ERCC8 protein function with a positive predictive value of 80%. In summary, the available evidence is currently insufficient to determine the role of this variant in disease. Therefore, it has been classified as a Variant of Uncertain Significance.

NM_000082.4(ERCC8):c.214G>C (p.Asp72His)

Gene: ERCC8 (ERCC excision repair 8, CSA ubiquitin ligase complex subunit; minus strand). Cytogenetic location: 5q12.1.
Variant type: single nucleotide variant.
Coding change: c.214G>C on transcript NM_000082.4 (MANE Select); coding-DNA position 214, G replaced by C.
Protein change: p.Asp72His; replaces aspartic acid 72 with histidine.
Molecular consequence: missense variant. On other transcripts: 5 prime UTR variant (1).
Genome position (GRCh38, 1-based): chr5:60,922,115, C>G on the plus strand (G>C on the coding strand, the complement: ERCC8 is on the minus strand). VCF-style: chr5-60922115-C-G. GRCh37 (hg19) VCF-style: chr5-60217942-C-G.
Other names: c.40G>C, p.Asp14His (NM_001007233.3); c.214G>C, p.Asp72His (NM_001007234.3); c.-164G>C (NM_001290285.2); short protein forms D14H, D72H.
Identifiers: ClinVar variation 3615857 (VCV003615857.3).
Genomic context (GRCh38, chr5:60,922,115, plus strand): 5'-TGCCAATGGAACACACTGCTTTACATGTGTAATAAGATTGTCTGCTGGAGTTCTCAAGGT[C>G]ATAAAGTACAATCACACCATCTGAACCACCTGATAACATGCTGATAATAAAAAAGTTCAC-3'
Protein context (NP_000073.1, residues 62-82): GGSDGVIVLY[Asp72His]LENSSRQSYY